The following is an entry in ClinVar:

NM_015909.4(NBAS):c.6591G>A (p.Trp2197Ter)

Gene: NBAS (NBAS subunit of NRZ tethering complex; minus strand). Cytogenetic location: 2p24.3.
Variant type: single nucleotide variant.
Coding change: c.6591G>A on transcript NM_015909.4 (MANE Select); coding-DNA position 6591, G replaced by A.
Protein change: p.Trp2197Ter; replaces tryptophan 2197 with a stop codon.
Molecular consequence: nonsense. On other transcripts: non-coding transcript variant (1).
Genome position (GRCh38, 1-based): chr2:15,186,862, C>T on the plus strand (G>A on the coding strand, the complement: NBAS is on the minus strand). VCF-style: chr2-15186862-C-T. GRCh37 (hg19) VCF-style: chr2-15326986-C-T.
Other names: short protein forms W2197*.
Identifiers: ClinVar variation 2709982 (VCV002709982.3), dbSNP rs2528013214, ClinGen allele CA345919381.
Genomic context (GRCh38, chr2:15,186,862, plus strand): 5'-CCCCAATCCTTCCTTGTTCTCCATCGTACATCTGGTTAGCATCACTGTAGCTAGTCTCAC[C>T]CATGGATTATTGGTTATGCTGGTGTTTATGGAGAAAAATACAAGGCACTGGAAATGACTA-3'

ClinVar aggregate classification (germline): Pathogenic (1 of 4 stars; one submission).

Allele frequency attached by ClinVar (database versions not stated): gnomAD exomes below 0.00001.
gnomAD v4.1: 1 of 1,613,842 alleles (0.000062%); highest among the groups gnomAD compares: Non-Finnish European, 0.000085%; no homozygotes.

Submission:

Labcorp Genetics (formerly Invitae), Labcorp
Classification: Pathogenic. Last evaluated: 2024-01-18. Review status: criteria provided, single submitter. Criteria: Invitae Variant Classification Sherloc (09022015). Collection method: clinical testing. Allele origin: germline.
Comment: This sequence change creates a premature translational stop signal (p.Trp2197*) in the NBAS gene. It is expected to result in an absent or disrupted protein product. Loss-of-function variants in NBAS are known to be pathogenic (PMID: 26073778, 26541327, 27789416, 28031453). This variant is not present in population databases (gnomAD no frequency). This variant has not been reported in the literature in individuals affected with NBAS-related conditions. For these reasons, this variant has been classified as Pathogenic.

Literature cited by the submitters: PubMed 26073778; PubMed 26541327; PubMed 27789416; PubMed 28031453.